The following is an entry in ClinVar:

NM_003227.4(TFR2):c.1467G>A (p.Trp489Ter)

Gene: TFR2 (transferrin receptor 2; minus strand). Cytogenetic location: 7q22.1.
Variant type: single nucleotide variant.
Coding change: c.1467G>A on transcript NM_003227.4 (MANE Select); coding-DNA position 1467, G replaced by A.
Protein change: p.Trp489Ter; replaces tryptophan 489 with a stop codon.
Molecular consequence: nonsense.
Genome position (GRCh38, 1-based): chr7:100,628,230, C>T on the plus strand (G>A on the coding strand, the complement: TFR2 is on the minus strand). VCF-style: chr7-100628230-C-T. GRCh37 (hg19) VCF-style: chr7-100225853-C-T.
Other names: c.954G>A, p.Trp318Ter (NM_001206855.3); c.1467G>A (NM_003227.3); short protein forms W318*, W489*.
Identifiers: ClinVar variation 2679169 (VCV002679169.5), dbSNP rs1803324863, ClinGen allele CA368527576.
Genomic context (GRCh38, chr7:100,628,230, plus strand): 5'-CCCCACCCCCACCTCTCCCCAATGCCTAACGACCTGCCCGGGACCCCGTATCACCTCTAG[C>T]CACTCCGTGGAGCCCACGCTTCCAAAGTCACCACCGTCCCAGCTGATGAAGAGGAGACTT-3'

ClinVar aggregate classification (germline): Pathogenic/Likely pathogenic. Review status: criteria provided, multiple submitters, no conflicts (2 of 4 stars). 3 submissions from 3 submitters: Pathogenic (1); Likely pathogenic (2). Last evaluated 2025-09-28.

Conditions:
Hereditary hemochromatosis (HFE). Identifiers: MedGen C0392514, MONDO:0006507. Disease mechanism: loss of function.
Hemochromatosis type 3 (HFE3). Also called: HEMOCHROMATOSIS DUE TO DEFECT IN TRANSFERRIN RECEPTOR 2; Hereditary hemochromatosis type 3; TFR2-Related Hemochromatosis. Identifiers: Orphanet 225123, MedGen C1858664, MONDO:0011417, OMIM 604250.

Allele frequency attached by ClinVar (database versions not stated): TOPMed below 0.00001.

Submissions (3):

Natera, Inc.
Classification: Likely pathogenic for Hereditary hemochromatosis type 3. Last evaluated: 2025-09-28. Review status: criteria provided, single submitter. Criteria: Natera Variant Classification Schema (03/2026). Collection method: clinical testing. Allele origin: germline.
Comment: The c.1467G>A variant in TFR2 is a nonsense variant predicted to introduce a stop codon at amino acid 489. This variant is expected to result in nonsense mediated decay, truncation, or a dysfunctional protein product. This variant is rare in the general population with a frequency below the threshold expected for the associated phenotype(s). Given the available evidence, this variant is classified as Likely Pathogenic.

Labcorp Genetics (formerly Invitae), Labcorp
Classification: Pathogenic for Hereditary hemochromatosis. Last evaluated: 2023-07-10. Review status: criteria provided, single submitter. Criteria: Invitae Variant Classification Sherloc (09022015). Collection method: clinical testing. Allele origin: germline.
Comment: This variant has not been reported in the literature in individuals affected with TFR2-related conditions. For these reasons, this variant has been classified as Pathogenic. This variant is not present in population databases (gnomAD no frequency). This sequence change creates a premature translational stop signal (p.Trp489*) in the TFR2 gene. It is expected to result in an absent or disrupted protein product. Loss-of-function variants in TFR2 are known to be pathogenic (PMID: 23600741, 26029709).

Baylor Genetics
Classification: Likely pathogenic for Hemochromatosis type 3. Last evaluated: 2022-01-18. Review status: criteria provided, single submitter. Criteria: ACMG Guidelines, 2015. Collection method: clinical testing. Allele origin: unknown.

Literature cited by the submitters: PubMed 23600741 (cited by Labcorp Genetics (formerly Invitae), Labcorp); PubMed 26029709 (cited by Labcorp Genetics (formerly Invitae), Labcorp).